The following is an entry in ClinVar:

ClinVar aggregate classification (germline): Benign. Review status: criteria provided, multiple submitters, no conflicts (2 of 4 stars). 3 submissions from 3 submitters: Benign (3). Last evaluated 2024-01-24.

Allele frequency attached by ClinVar (database versions not stated): ESP Exome Variant Server 0.14472; gnomAD 0.15738 and 0.16509; TOPMed 0.17349; gnomAD exomes 0.18507 and 0.20325; ExAC 0.19839; 1000 Genomes Project 30x 0.22408; 1000 Genomes Project 0.22863.
gnomAD v4.1: 294,216 of 1,600,472 alleles (18%); highest among the groups gnomAD compares: East Asian, 48%; 31,107 homozygotes.

Submissions (3):

Unidad de Genómica Garrahan, Hospital de Pediatría Garrahan
Classification: Benign. Last evaluated: 2024-01-24. Review status: criteria provided, single submitter. Criteria: ACMG Guidelines, 2015. Collection method: clinical testing. Allele origin: germline. Affected: no. Observed: 41 variant alleles.
Comment: This variant is classified as Benign based on local population frequency. This variant was detected in 47% of patients studied by a panel of primary immunodeficiencies. Number of patients: 41. Only high quality variants are reported.

GeneDx
Classification: Benign. Last evaluated: 2018-11-11. Review status: criteria provided, single submitter. Criteria: GeneDx Variant Classification Process June 2021. Collection method: clinical testing. Allele origin: germline. Affected: yes.

Breakthrough Genomics
Classification: Benign. Review status: criteria provided, single submitter. Criteria: ACMG Guidelines, 2015. Collection method: not provided. Allele origin: germline. Inheritance: Autosomal recessive inheritance. Affected: yes.

NM_017671.5(FERMT1):c.532+34C>T

Gene: FERMT1 (FERM domain containing kindlin 1; minus strand). Cytogenetic location: 20p12.3.
Variant type: single nucleotide variant.
Coding change: c.532+34C>T on transcript NM_017671.5 (MANE Select); 34 bases into the intron after coding-DNA position 532, C replaced by T.
Molecular consequence: intron variant.
Genome position (GRCh38, 1-based): chr20:6,112,443, G>A on the plus strand (C>T on the coding strand, the complement: FERMT1 is on the minus strand). VCF-style: chr20-6112443-G-A. GRCh37 (hg19) VCF-style: chr20-6093090-G-A.
Identifiers: ClinVar variation 1229173 (VCV001229173.6), dbSNP rs2326719, ClinGen allele CA9758445.